The following is an entry in ClinVar:

NM_001282116.2(RFX3):c.1922G>A (p.Arg641His)

Gene: RFX3 (regulatory factor X3; minus strand). Cytogenetic location: 9p24.2.
Variant type: single nucleotide variant.
Coding change: c.1922G>A on transcript NM_001282116.2 (MANE Select); coding-DNA position 1922, G replaced by A.
Protein change: p.Arg641His; replaces arginine 641 with histidine.
Molecular consequence: missense variant.
Genome position (GRCh38, 1-based): chr9:3,248,078, C>T on the plus strand (G>A on the coding strand, the complement: RFX3 is on the minus strand). VCF-style: chr9-3248078-C-T. GRCh37 (hg19) VCF-style: chr9-3248078-C-T.
Other names: c.1922G>A, p.Arg641His (NM_001377999.1, NM_002919.4, NM_134428.3); short protein forms R641H.
Identifiers: ClinVar variation 3369917 (VCV003369917.1).

ClinVar aggregate classification (germline): Uncertain significance (1 of 4 stars; one submission).

gnomAD v4.1: 1 of 1,613,976 alleles (0.000062%); highest among the groups gnomAD compares: Non-Finnish European, 0.000085%; no homozygotes.

Submission:

GeneDx
Classification: Uncertain significance. Last evaluated: 2024-03-01. Review status: criteria provided, single submitter. Criteria: GeneDx Variant Classification Process June 2021. Collection method: clinical testing. Allele origin: germline. Affected: yes.
Comment: Not observed at significant frequency in large population cohorts (gnomAD); In silico analysis supports that this missense variant has a deleterious effect on protein structure/function; Has not been previously published as pathogenic or benign to our knowledge